The following is an entry in ClinVar:

ClinVar aggregate classification (germline): Uncertain significance (1 of 4 stars; one submission).

Conditions:
Hereditary spastic paraplegia 49 (HSAN9). Also called: TECPR2-Related Hereditary Sensory and Autonomic Neuropathy with Intellectual Disability; NEUROPATHY, HEREDITARY SENSORY AND AUTONOMIC, TYPE IX, WITH DEVELOPMENTAL DELAY; Spastic paraplegia 49, autosomal recessive. Identifiers: Orphanet 320385, MedGen C5190860, MONDO:0014016, OMIM 615031.

Allele frequency attached by ClinVar (database versions not stated): ExAC 0.00002; TOPMed 0.00003; gnomAD exomes 0.00004; gnomAD 0.00005.
gnomAD v4.1: 63 of 1,613,790 alleles (0.0039%); highest among the groups gnomAD compares: Admixed American, 0.025%; 3 homozygotes.

Submission:

Labcorp Genetics (formerly Invitae), Labcorp
Classification: Uncertain significance for Hereditary spastic paraplegia 49. Last evaluated: 2022-06-12. Review status: criteria provided, single submitter. Criteria: Invitae Variant Classification Sherloc (09022015). Collection method: clinical testing. Allele origin: germline.
Comment: This sequence change replaces serine, which is neutral and polar, with leucine, which is neutral and non-polar, at codon 1158 of the TECPR2 protein (p.Ser1158Leu). This variant is present in population databases (rs770575240, gnomAD 0.009%). This variant has not been reported in the literature in individuals affected with TECPR2-related conditions. Algorithms developed to predict the effect of missense changes on protein structure and function (SIFT, PolyPhen-2, Align-GVGD) all suggest that this variant is likely to be tolerated. In summary, the available evidence is currently insufficient to determine the role of this variant in disease. Therefore, it has been classified as a Variant of Uncertain Significance.

NM_014844.5(TECPR2):c.3473C>T (p.Ser1158Leu)

Gene: TECPR2 (tectonin beta-propeller repeat containing 2; plus strand). Cytogenetic location: 14q32.31.
Variant type: single nucleotide variant.
Coding change: c.3473C>T on transcript NM_014844.5 (MANE Select); coding-DNA position 3473, C replaced by T.
Protein change: p.Ser1158Leu; replaces serine 1158 with leucine.
Molecular consequence: missense variant.
Genome position (GRCh38, 1-based): chr14:102,452,460, C>T. VCF-style: chr14-102452460-C-T. GRCh37 (hg19) VCF-style: chr14-102918797-C-T.
Other names: c.3473C>T, p.Ser1158Leu (NM_001172631.3); short protein forms S1158L.
Identifiers: ClinVar variation 2060705 (VCV002060705.1), dbSNP rs770575240, ClinGen allele CA7358253.